The following is an entry in ClinVar:

ClinVar aggregate classification (germline): Uncertain significance (1 of 4 stars; one submission).

Submission:

GeneDx
Classification: Uncertain significance. Last evaluated: 2022-05-11. Review status: criteria provided, single submitter. Criteria: GeneDx Variant Classification Process June 2021. Collection method: clinical testing. Allele origin: germline. Affected: yes.
Comment: Not observed at significant frequency in large population cohorts (gnomAD); In silico analysis supports that this missense variant does not alter protein structure/function; Has not been previously published as pathogenic or benign to our knowledge

NM_006662.3(SRCAP):c.774C>G (p.Ser258Arg)

Gene: SRCAP (Snf2 related CREBBP activator protein; plus strand). Cytogenetic location: 16p11.2.
Variant type: single nucleotide variant.
Coding change: c.774C>G on transcript NM_006662.3 (MANE Select); coding-DNA position 774, C replaced by G.
Protein change: p.Ser258Arg; replaces serine 258 with arginine.
Molecular consequence: missense variant.
Genome position (GRCh38, 1-based): chr16:30,709,653, C>G. VCF-style: chr16-30709653-C-G. GRCh37 (hg19) VCF-style: chr16-30720974-C-G.
Other names: short protein forms S258R.
Identifiers: ClinVar variation 1723495 (VCV001723495.2), dbSNP rs993316869, ClinGen allele CA395602090.